The following is an entry in ClinVar:

ClinVar aggregate classification (germline): Uncertain significance (1 of 4 stars; one submission).

Conditions:
Tuberous sclerosis 1 (TSC1). Identifiers: Orphanet 805, MedGen C1854465, MONDO:0008612, OMIM 191100.

Submission:

Labcorp Genetics (formerly Invitae), Labcorp
Classification: Uncertain significance for Tuberous sclerosis 1. Last evaluated: 2024-03-17. Review status: criteria provided, single submitter. Criteria: Invitae Variant Classification Sherloc (09022015). Collection method: clinical testing. Allele origin: germline.
Comment: This sequence change replaces leucine, which is neutral and non-polar, with methionine, which is neutral and non-polar, at codon 975 of the TSC1 protein (p.Leu975Met). This variant is not present in population databases (gnomAD no frequency). This variant has not been reported in the literature in individuals affected with TSC1-related conditions. Advanced modeling of protein sequence and biophysical properties (such as structural, functional, and spatial information, amino acid conservation, physicochemical variation, residue mobility, and thermodynamic stability) performed at Invitae indicates that this missense variant is not expected to disrupt TSC1 protein function with a negative predictive value of 95%. In summary, the available evidence is currently insufficient to determine the role of this variant in disease. Therefore, it has been classified as a Variant of Uncertain Significance.

NM_000368.5(TSC1):c.2923C>A (p.Leu975Met)

Gene: TSC1 (TSC complex subunit 1; minus strand). Cytogenetic location: 9q34.13.
Variant type: single nucleotide variant.
Coding change: c.2923C>A on transcript NM_000368.5 (MANE Select); coding-DNA position 2923, C replaced by A.
Protein change: p.Leu975Met; replaces leucine 975 with methionine.
Molecular consequence: missense variant. On other transcripts: non-coding transcript variant (5).
Genome position (GRCh38, 1-based): chr9:132,897,236, G>T on the plus strand (C>A on the coding strand, the complement: TSC1 is on the minus strand). VCF-style: chr9-132897236-G-T. GRCh37 (hg19) VCF-style: chr9-135772623-G-T.
Other names: c.2920C>A, p.Leu974Met (NM_001162426.2, NM_001406597.1, NM_001406598.1 and 2 more transcripts); c.2770C>A, p.Leu924Met (NM_001162427.2, NM_001406610.1); c.2560C>A, p.Leu854Met (NM_001362177.2, NM_001406614.1, NM_001406615.1 and 4 more transcripts); c.2923C>A, p.Leu975Met (NM_001406592.1, NM_001406593.1, NM_001406594.1 and 2 more transcripts); c.2881C>A, p.Leu961Met (NM_001406606.1, NM_001406607.1, NM_001406605.1); c.2878C>A, p.Leu960Met (NM_001406608.1, NM_001406609.1); c.2767C>A, p.Leu923Met (NM_001406611.1, NM_001406612.1); c.2725C>A, p.Leu909Met (NM_001406613.1); and 8 more; short protein forms L624M, L657M, L658M, L839M, L840M, L853M, L854M, L909M.
Identifiers: ClinVar variation 3628880 (VCV003628880.2).
Genomic context (GRCh38, chr9:132,897,236, plus strand): 5'-GTTCCTACCTTTCTTCTGCTGCTTCAGCTGCTTCTGCTTTTTCTTCTTCAAGTTTTTTCA[G>T]GAGGCCATCTTTCTCCAACCTGCCATATAAATCTAAGATCTCCAATTCAAACACCTGGGT-3'
Protein context (NP_000359.1, residues 965-985): LYGRLEKDGL[Leu975Met]KKLEEEKAEA